The following is an entry in ClinVar:

NM_001127222.2(CACNA1A):c.2982G>C (p.Glu994Asp)

Gene: CACNA1A (calcium voltage-gated channel subunit alpha1 A; minus strand). Cytogenetic location: 19p13.13.
Variant type: single nucleotide variant.
Coding change: c.2982G>C on transcript NM_001127222.2 (MANE Select); coding-DNA position 2982, G replaced by C.
Protein change: p.Glu994Asp; replaces glutamic acid 994 with aspartic acid.
Molecular consequence: missense variant.
Genome position (GRCh38, 1-based): chr19:13,298,651, C>G on the plus strand (G>C on the coding strand, the complement: CACNA1A is on the minus strand). VCF-style: chr19-13298651-C-G. GRCh37 (hg19) VCF-style: chr19-13409465-C-G.
Other names: c.2994G>C, p.Glu998Asp (NM_000068.4, NM_023035.3); c.2985G>C, p.Glu995Asp (NM_001127221.2, NM_001174080.2); short protein forms E994D, E995D, E998D.
Identifiers: ClinVar variation 1469621 (VCV001469621.8), dbSNP rs2144952767, ClinGen allele CA404342318.

ClinVar aggregate classification (germline): Uncertain significance (1 of 4 stars; one submission).

Conditions:
Developmental and epileptic encephalopathy, 42 (DEE42A). Also called: DEVELOPMENTAL AND EPILEPTIC ENCEPHALOPATHY 42A; EPILEPTIC ENCEPHALOPATHY, EARLY INFANTILE, 42A; Epileptic encephalopathy, early infantile, 42. Identifiers: MedGen C4310716, MONDO:0014917, OMIM 617106.
Episodic ataxia type 2 (EA2). Also called: ATAXIA, EPISODIC, WITH NYSTAGMUS; ATAXIA, FAMILIAL PAROXYSMAL; CEREBELLAR ATAXIA, PAROXYSMAL, ACETAZOLAMIDE-RESPONSIVE; CEREBELLOPATHY, HEREDITARY PAROXYSMAL; EPISODIC ATAXIA, NYSTAGMUS-ASSOCIATED; ACETAZOLAMIDE-RESPONSIVE HEREDITARY PAROXYSMAL CEREBELLAR ATAXIA. Identifiers: Orphanet 97, MedGen C1720416, MONDO:0007163, OMIM 108500.

Submission:

Labcorp Genetics (formerly Invitae), Labcorp
Classification: Uncertain significance for Developmental and epileptic encephalopathy, 42; Episodic ataxia type 2. Last evaluated: 2022-02-02. Review status: criteria provided, single submitter. Criteria: Invitae Variant Classification Sherloc (09022015). Collection method: clinical testing. Allele origin: germline.
Comment: In summary, the available evidence is currently insufficient to determine the role of this variant in disease. Therefore, it has been classified as a Variant of Uncertain Significance. Advanced modeling of protein sequence and biophysical properties (such as structural, functional, and spatial information, amino acid conservation, physicochemical variation, residue mobility, and thermodynamic stability) performed at Invitae indicates that this missense variant is not expected to disrupt CACNA1A protein function. This variant has not been reported in the literature in individuals affected with CACNA1A-related conditions. This variant is not present in population databases (gnomAD no frequency). This sequence change replaces glutamic acid, which is acidic and polar, with aspartic acid, which is acidic and polar, at codon 995 of the CACNA1A protein (p.Glu995Asp).